The following is an entry in ClinVar:

ClinVar aggregate classification (germline): Uncertain significance (1 of 4 stars; one submission).

Conditions:
Hermansky-Pudlak syndrome 2 (HPS2). Also called: Platelet defects and oculocutaneous albinism. Identifiers: Orphanet 183678, Orphanet 79430, MedGen C1842362, MONDO:0011997, OMIM 608233.

Allele frequency attached by ClinVar (database versions not stated): gnomAD exomes below 0.00001; TOPMed below 0.00001; gnomAD 0.00001.
gnomAD v4.1: 2 of 1,609,804 alleles (0.00012%); highest among the groups gnomAD compares: Non-Finnish European, 0.00017%; no homozygotes.

Submission:

Labcorp Genetics (formerly Invitae), Labcorp
Classification: Uncertain significance for Hermansky-Pudlak syndrome 2. Last evaluated: 2021-02-13. Review status: criteria provided, single submitter. Criteria: Invitae Variant Classification Sherloc (09022015). Collection method: clinical testing. Allele origin: germline.
Comment: This sequence change replaces proline with histidine at codon 941 of the AP3B1 protein (p.Pro941His). The proline residue is moderately conserved and there is a moderate physicochemical difference between proline and histidine. This variant is not present in population databases (ExAC no frequency). This variant has not been reported in the literature in individuals with AP3B1-related conditions. Algorithms developed to predict the effect of missense changes on protein structure and function are either unavailable or do not agree on the potential impact of this missense change (SIFT: "Deleterious"; PolyPhen-2: "Possibly Damaging"; Align-GVGD: "Class C0"). In summary, the available evidence is currently insufficient to determine the role of this variant in disease. Therefore, it has been classified as a Variant of Uncertain Significance.

NM_003664.5(AP3B1):c.2822C>A (p.Pro941His)

Gene: AP3B1 (adaptor related protein complex 3 subunit beta 1; minus strand). Cytogenetic location: 5q14.1.
Variant type: single nucleotide variant.
Coding change: c.2822C>A on transcript NM_003664.5 (MANE Select); coding-DNA position 2822, C replaced by A.
Protein change: p.Pro941His; replaces proline 941 with histidine.
Molecular consequence: missense variant.
Genome position (GRCh38, 1-based): chr5:78,034,433, G>T on the plus strand (C>A on the coding strand, the complement: AP3B1 is on the minus strand). VCF-style: chr5-78034433-G-T. GRCh37 (hg19) VCF-style: chr5-77330257-G-T.
Other names: c.2675C>A, p.Pro892His (NM_001271769.2); short protein forms P892H, P941H.
Identifiers: ClinVar variation 1461566 (VCV001461566.8), dbSNP rs1022482616, ClinGen allele CA121596043.